The following is an entry in ClinVar:

NM_005055.5(RAPSN):c.310T>G (p.Ser104Ala)

Gene: RAPSN (receptor associated protein of the synapse; minus strand). Cytogenetic location: 11p11.2.
Variant type: single nucleotide variant.
Coding change: c.310T>G on transcript NM_005055.5 (MANE Select); coding-DNA position 310, T replaced by G.
Protein change: p.Ser104Ala; replaces serine 104 with alanine.
Molecular consequence: missense variant.
Genome position (GRCh38, 1-based): chr11:47,448,033, A>C on the plus strand (T>G on the coding strand, the complement: RAPSN is on the minus strand). VCF-style: chr11-47448033-A-C. GRCh37 (hg19) VCF-style: chr11-47469585-A-C.
Other names: c.310T>G, p.Ser104Ala (NM_032645.5); c.310T>G (NM_005055.4); short protein forms S104A.
Identifiers: ClinVar variation 1506059 (VCV001506059.6), dbSNP rs770016019, ClinGen allele CA5976763.

ClinVar aggregate classification (germline): Uncertain significance. Review status: criteria provided, multiple submitters, no conflicts (2 of 4 stars). 2 submissions from 2 submitters: Uncertain significance (2). Last evaluated 2025-08-31.

Conditions:
Fetal akinesia deformation sequence 1 (FADS1). Also called: Pena-Shokeir syndrome type I; Fetal akinesia sequence. Identifiers: Orphanet 994, MedGen C1276035, MONDO:0100101, OMIM 208150, HP:0001989.
Congenital myasthenic syndrome 11. Also called: MYASTHENIC SYNDROME, CONGENITAL, Ie; Myasthenic syndrome, congenital, 11, associated with acetylcholine receptor deficiency. Identifiers: Orphanet 590, MedGen C4225367, MONDO:0014588, OMIM 616326.
Inborn genetic diseases. Identifiers: MedGen C0950123, MeSH D030342.

Allele frequency attached by ClinVar (database versions not stated): gnomAD 0.00001; TOPMed 0.00001; ExAC 0.00002; gnomAD exomes 0.00002.
gnomAD v4.1: 29 of 1,613,858 alleles (0.0018%); highest among the groups gnomAD compares: Non-Finnish European, 0.0024%; no homozygotes.

Submissions (2):

Ambry Genetics
Classification: Uncertain significance for Inborn genetic diseases. Last evaluated: 2025-08-31. Review status: criteria provided, single submitter. Criteria: Ambry Variant Classification Scheme 2023. Collection method: clinical testing. Allele origin: germline.

Labcorp Genetics (formerly Invitae), Labcorp
Classification: Uncertain significance for Congenital myasthenic syndrome 11; Fetal akinesia deformation sequence 1. Last evaluated: 2022-07-12. Review status: criteria provided, single submitter. Criteria: Invitae Variant Classification Sherloc (09022015). Collection method: clinical testing. Allele origin: germline.
Comment: This sequence change replaces serine, which is neutral and polar, with alanine, which is neutral and non-polar, at codon 104 of the RAPSN protein (p.Ser104Ala). This variant is present in population databases (rs770016019, gnomAD 0.004%). This variant has not been reported in the literature in individuals affected with RAPSN-related conditions. ClinVar contains an entry for this variant (Variation ID: 1506059). Algorithms developed to predict the effect of missense changes on protein structure and function are either unavailable or do not agree on the potential impact of this missense change (SIFT: "Deleterious"; PolyPhen-2: "Benign"; Align-GVGD: "Class C0"). In summary, the available evidence is currently insufficient to determine the role of this variant in disease. Therefore, it has been classified as a Variant of Uncertain Significance.